The following is an entry in ClinVar:

NM_014920.5(CILK1):c.9A>T (p.Arg3Ser)

Gene: CILK1 (ciliogenesis associated kinase 1; minus strand). Cytogenetic location: 6p12.1.
Variant type: single nucleotide variant.
Coding change: c.9A>T on transcript NM_014920.5 (MANE Select); coding-DNA position 9, A replaced by T.
Protein change: p.Arg3Ser; replaces arginine 3 with serine.
Molecular consequence: missense variant. On other transcripts: non-coding transcript variant (1).
Genome position (GRCh38, 1-based): chr6:53,041,228, T>A on the plus strand (A>T on the coding strand, the complement: CILK1 is on the minus strand). VCF-style: chr6-53041228-T-A. GRCh37 (hg19) VCF-style: chr6-52906026-T-A.
Other names: c.9A>T, p.Arg3Ser (NM_001375397.1, NM_001375398.1, NM_001375399.1 and 4 more transcripts); short protein forms R3S.
Identifiers: ClinVar variation 2180507 (VCV002180507.4), dbSNP rs761930210, ClinGen allele CA3858916.

ClinVar aggregate classification (germline): Uncertain significance (1 of 4 stars; one submission).

Allele frequency attached by ClinVar (database versions not stated): ExAC 0.00001; gnomAD 0.00001; gnomAD exomes 0.00001; TOPMed 0.00002.
gnomAD v4.1: 10 of 1,612,822 alleles (0.00062%); highest among the groups gnomAD compares: Non-Finnish European, 0.00085%; no homozygotes.

Submission:

Labcorp Genetics (formerly Invitae), Labcorp
Classification: Uncertain significance. Last evaluated: 2023-05-05. Review status: criteria provided, single submitter. Criteria: Invitae Variant Classification Sherloc (09022015). Collection method: clinical testing. Allele origin: germline.
Comment: This sequence change replaces arginine, which is basic and polar, with serine, which is neutral and polar, at codon 3 of the ICK protein (p.Arg3Ser). This variant is present in population databases (rs761930210, gnomAD 0.0009%). This variant has not been reported in the literature in individuals affected with ICK-related conditions. ClinVar contains an entry for this variant (Variation ID: 2180507). Advanced modeling of protein sequence and biophysical properties (such as structural, functional, and spatial information, amino acid conservation, physicochemical variation, residue mobility, and thermodynamic stability) performed at Invitae indicates that this missense variant is not expected to disrupt ICK protein function. In summary, the available evidence is currently insufficient to determine the role of this variant in disease. Therefore, it has been classified as a Variant of Uncertain Significance.